The following is an entry in ClinVar:

NM_002890.3(RASA1):c.2534_2535insTTTTTTTTTTTTTTTTTTTTNNNNNNNNNNTTTTTGAGACGGAGTCTCGCTCTGTCGCCCAGGTCGGACTGCGGACTGCAGTGGCGCAATCTCGGCTCACTGTGAACACTAATTT (p.Leu845delinsPhePhePhePhePhePhePheXaaXaaXaaXaaPheTer)

Genes: CCNH (cyclin H; minus strand), RASA1 (RAS p21 protein activator 1; plus strand). Cytogenetic location: 5q14.3.
Variant type: Microsatellite.
Coding change: c.2534_2535insTTTTTTTTTTTTTTTTTTTTNNNNNNNNNNTTTTTGAGACGGAGTCTCGCTCTGTCGCCCAGGTCGGACTGCGGACTGCAGTGGCGCAATCTCGGCTCACTGTGAACACTAATTT on transcript NM_002890.3 (MANE Select); coding-DNA positions 2534 to 2535, TTTTTTTTTTTTTTTTTTTTNNNNNNNNNNTTTTTGAGACGGAGTCTCGCTCTGTCGCCCAGGTCGGACTGCGGACTGCAGTGGCGCAATCTCGGCTCACTGTGAACACTAATTT inserted.
Protein change: p.Leu845delinsPhePhePhePhePhePhePheXaaXaaXaaXaaPheTer.
Molecular consequence: nonsense. On other transcripts: intron variant (1).
Genome position: GRCh38: chr5:87,379,767-87,379,781. GRCh37 (hg19): chr5:86,675,584-86,675,598.
Other names: c.2003_2004insTTTTTTTTTTTTTTTTTTTTNNNNNNNNNNTTTTTGAGACGGAGTCTCGCTCTGTCGCCCAGGTCGGACTGCGGACTGCAGTGGCGCAATCTCGGCTCACTGTGAACACTAATTT, p.Leu668delinsPhePhePhePhePhePhePheXaaXaaXaaXaaPheTer (NM_022650.3); c.933+15277_933+15278insAAATTAGTGTTCACAGTGAGCCGAGATTGCGCCACTGCAGTCCGCAGTCCGACCTGGGCGACAGAGCGAGACTCCGTCTCAAAAANNNNNNNNNNAAAAAAAAAAAAAAAAAAAA (NM_001364075.2).
Identifiers: ClinVar variation 1459752 (VCV001459752.8).

ClinVar aggregate classification (germline): Pathogenic (1 of 4 stars; one submission).

Conditions:
Capillary malformation-arteriovenous malformation syndrome. Also called: Capillary malformation-arteriovenous malformation. Identifiers: Orphanet 137667, MedGen C1842180, MONDO:0012016.

Submission:

Labcorp Genetics (formerly Invitae), Labcorp
Classification: Pathogenic for Capillary malformation-arteriovenous malformation syndrome. Last evaluated: 2021-10-10. Review status: criteria provided, single submitter. Criteria: Invitae Variant Classification Sherloc (09022015). Collection method: clinical testing. Allele origin: germline.
Comment: This variant is not present in population databases (ExAC no frequency). This sequence change inserts a large fragment of DNA, likely a transposable element, in exon 19 of the RASA1 gene (c.2534_2535ins?), causing a frameshift at codon 845 (p.Leu845fs). The exact size and sequence of the insertion cannot be determined by the current assay. However, the insertion is expected to result in an absent or disrupted protein product. This variant has not been reported in the literature in individuals affected with RASA1-related conditions. For these reasons, this variant has been classified as Pathogenic. Retrotransposon insertions including LINE1 (L1), Alu, and SVA (SINE-VNTR-Alu) have been reported to be disease-causing through disruption of either a coding region or splice site (PMID: 19763152, 20307669, 22406018) and loss-of-function variants in RASA1 are known to be pathogenic (PMID: 24038909). Algorithms developed to predict the effect of sequence changes on RNA splicing suggest that this variant may create or strengthen a splice site.

Literature cited by the submitters: PubMed 19763152; PubMed 20307669; PubMed 22406018; PubMed 24038909.